The following is an entry in ClinVar:

NM_203447.4(DOCK8):c.1000T>C (p.Phe334Leu)

Gene: DOCK8 (dedicator of cytokinesis 8; plus strand). Cytogenetic location: 9p24.3.
Variant type: single nucleotide variant.
Coding change: c.1000T>C on transcript NM_203447.4 (MANE Select); coding-DNA position 1000, T replaced by C.
Protein change: p.Phe334Leu; replaces phenylalanine 334 with leucine.
Molecular consequence: missense variant.
Genome position (GRCh38, 1-based): chr9:328,127, T>C. VCF-style: chr9-328127-T-C. GRCh37 (hg19) VCF-style: chr9-328127-T-C.
Other names: c.796T>C, p.Phe266Leu (NM_001190458.2, NM_001193536.2); short protein forms F266L, F334L.
Identifiers: ClinVar variation 2009529 (VCV002009529.4), dbSNP rs2537911657, ClinGen allele CA372751426.

ClinVar aggregate classification (germline): Uncertain significance (1 of 4 stars; one submission).

Conditions:
Combined immunodeficiency due to DOCK8 deficiency (HIES2). Also called: Hyper-IgE recurrent infection syndrome, autosomal recessive; HIES autosomal recessive; HYPER-IgE SYNDROME 2, AUTOSOMAL RECESSIVE, WITH RECURRENT INFECTIONS; HYPER-IgE RECURRENT INFECTION SYNDROME 2, AUTOSOMAL RECESSIVE; DOCK8 Deficiency. Identifiers: Orphanet 217390, MedGen C4722305, MONDO:0009478, OMIM 243700.

Submission:

Labcorp Genetics (formerly Invitae), Labcorp
Classification: Uncertain significance for Combined immunodeficiency due to DOCK8 deficiency. Last evaluated: 2022-07-03. Review status: criteria provided, single submitter. Criteria: Invitae Variant Classification Sherloc (09022015). Collection method: clinical testing. Allele origin: germline.
Comment: This sequence change replaces phenylalanine, which is neutral and non-polar, with leucine, which is neutral and non-polar, at codon 334 of the DOCK8 protein (p.Phe334Leu). This variant is not present in population databases (gnomAD no frequency). This variant has not been reported in the literature in individuals affected with DOCK8-related conditions. Algorithms developed to predict the effect of missense changes on protein structure and function are either unavailable or do not agree on the potential impact of this missense change (SIFT: "Deleterious"; PolyPhen-2: "Probably Damaging"; Align-GVGD: "Class C15"). In summary, the available evidence is currently insufficient to determine the role of this variant in disease. Therefore, it has been classified as a Variant of Uncertain Significance.